The following is an entry in ClinVar:

ClinVar aggregate classification (germline): Uncertain significance. Review status: criteria provided, multiple submitters, no conflicts (2 of 4 stars). 5 submissions from 5 submitters: Uncertain significance (5). Last evaluated 2026-02-11.

Conditions:
Pheochromocytoma. Also called: MAX-Related Hereditary Paraganglioma-Pheochromocytoma Syndrome. Identifiers: Orphanet 29072, MedGen C0031511, MONDO:0008233, OMIM 171300, HP:0002666.
Familial medullary thyroid carcinoma (MTC). Also called: Thyroid cancer, familial medullary; MTC, familial; Familial Medullary Thyroid Carcinoma (FMTC). Identifiers: Orphanet 653, Orphanet 99361, MedGen C1833921, MONDO:0007958, OMIM 155240.
Multiple endocrine neoplasia type 2B. Also called: Multiple endocrine neoplasia, type 3; MULTIPLE ENDOCRINE NEOPLASIA, TYPE IIB; MUCOSAL NEUROMA SYNDROME; MEN 2B; Multiple Endocrine Neoplasia Type 2B (MEN2B); MEN IIB. Identifiers: Orphanet 247709, Orphanet 653, MedGen C0025269, MeSH D018814, MONDO:0008082, OMIM 162300.
Multiple endocrine neoplasia type 2A. Also called: MULTIPLE ENDOCRINE NEOPLASIA, TYPE IIA; PTC SYNDROME; SIPPLE SYNDROME; MEN 2A; MEN-2A syndrome; Pheochromocytoma and amyloid producing medullary thyroid carcinoma. Identifiers: Orphanet 247698, Orphanet 653, MedGen C0025268, MeSH D018813, MONDO:0008234, OMIM 171400.
Hirschsprung disease, susceptibility to, 1 (HSCR1). Also called: RET-Related Hirschsprung Disease. Identifiers: Orphanet 388, MedGen C3888239, MONDO:0007723, OMIM 142623.
RET-related disorder. Also called: RET-related disorders; RET-related condition; RET-related disease.
Hereditary cancer-predisposing syndrome. Also called: Neoplastic Syndromes, Hereditary; Hereditary Cancer Syndrome; Tumor predisposition; Hereditary neoplastic syndrome. Identifiers: Orphanet 140162, MedGen C0027672, MeSH D009386, MONDO:0015356.
Multiple endocrine neoplasia, type 2 (MEN2). Identifiers: Orphanet 653, MedGen C4048306, MONDO:0019003. Disease mechanism: gain of function.

Allele frequency attached by ClinVar (database versions not stated): gnomAD exomes below 0.00001; TOPMed 0.00001; gnomAD 0.00002.
gnomAD v4.1: 4 of 1,613,234 alleles (0.00025%); highest among the groups gnomAD compares: Non-Finnish European, 0.00034%; no homozygotes.

Submissions (5):

Women's Health and Genetics/Laboratory Corporation of America, LabCorp
Classification: Uncertain significance. Last evaluated: 2026-02-11. Review status: criteria provided, single submitter. Criteria: LabCorp Variant Classification Summary - May 2015. Collection method: clinical testing. Allele origin: germline.
Comment: Variant summary: RET c.2755G>C (p.Ala919Pro) results in a non-conservative amino acid change in the encoded protein sequence. Algorithms developed to predict the effect of missense changes on protein structure and function all suggest that this variant is likely to be disruptive. The variant allele was found at a frequency of 4e-06 in 251478 control chromosomes. c.2755G>C has been observed as a somatic variant in at least 2 individual(s) affected with familial medullary thyroid carcinoma or diffuse leptomeningeal glioneuronal tumours, however in both individuals an alternate genetic cause for disease was present (example, Miyauchi_1997, Manohara_2021). These report(s) do not provide unequivocal conclusions about association of the variant with RET-related conditions. At least one publication reports experimental evidence evaluating an impact on protein function. The most pronounced variant effect results in both an increased transforming activity and an increased kinase activity in vitro consistent with a gain-of-function effect (example, Iwashita_1999, Iwashita_2000) however the role of other variants in clinical impact of this effect could not be ruled out. The following publications have been ascertained in the context of this evaluation (PMID: 32083997, 9263528, 24845513, 16932252, 31711124, 15583857, 36166639, 10445857, 15331579, 16571096, 20554711, 10679286, 34493325, 16928683, 19472011). ClinVar contains an entry for this variant (Variation ID: 581770). Based on the evidence outlined above, the variant was classified as uncertain significance.

Labcorp Genetics (formerly Invitae), Labcorp
Classification: Uncertain significance for Multiple endocrine neoplasia, type 2. Last evaluated: 2025-12-09. Review status: criteria provided, single submitter. Criteria: Invitae Variant Classification Sherloc (09022015). Collection method: clinical testing. Allele origin: germline.
Comment: This sequence change replaces alanine, which is neutral and non-polar, with proline, which is neutral and non-polar, at codon 919 of the RET protein (p.Ala919Pro). This variant is present in population databases (no rsID available, gnomAD 0.0009%). This variant has not been reported in the literature in individuals affected with RET-related conditions. ClinVar contains an entry for this variant (Variation ID: 581770). An algorithm developed to predict the effect of missense changes on protein structure and function (PolyPhen-2) suggests that this variant is likely to be disruptive. Experimental studies are conflicting or provide insufficient evidence to determine the effect of this variant on RET function (PMID: 10445857). In summary, the available evidence is currently insufficient to determine the role of this variant in disease. Therefore, it has been classified as a Variant of Uncertain Significance.

Ambry Genetics
Classification: Uncertain significance for Hereditary cancer-predisposing syndrome. Last evaluated: 2025-09-19. Review status: criteria provided, single submitter. Criteria: Ambry Variant Classification Scheme 2023. Collection method: clinical testing. Allele origin: germline.
Comment: The p.A919P variant (also known as c.2755G>C), located in coding exon 16 of the RET gene, results from a G to C substitution at nucleotide position 2755. The alanine at codon 919 is replaced by proline, an amino acid with highly similar properties. In one paper, this alteration was shown to have low transforming activity in vitro (Iwashita T, et al. Oncogene 1999;18(26):3919-22). This amino acid position is highly conserved in available vertebrate species. In addition, this alteration is predicted to be deleterious by in silico analysis. Based on the available evidence, the clinical significance of this variant remains unclear.

PreventionGenetics, part of Exact Sciences
Classification: Uncertain significance for RET-related condition. Last evaluated: 2023-04-13. Review status: criteria provided, single submitter. Criteria: ACMG Guidelines, 2015. Collection method: clinical testing. Allele origin: germline.
Comment: The RET c.2755G>C variant is predicted to result in the amino acid substitution p.Ala919Pro. Functional studies indicate this variant may alter protein function (Iwashita T et al 1999. PubMed ID: 10445857; Iwashita T et al 1999. PubMed ID: 10445857). This variant was also reported as a somatic variant of uncertain significance in a diffuse leptomeningeal glioneuronal tumor sample (Table 1 in Manoharan et al. 2021. PubMed ID: 34493325). This variant is reported in 0.00088% of alleles in individuals of European (Non-Finnish) descent in gnomAD. At this time, the clinical significance of this variant is uncertain due to the absence of conclusive functional and genetic evidence.

Fulgent Genetics
Classification: Uncertain significance for Hirschsprung disease, susceptibility to, 1; Familial medullary thyroid carcinoma; Multiple endocrine neoplasia type 2B; Pheochromocytoma; Multiple endocrine neoplasia type 2A. Last evaluated: 2022-05-25. Review status: criteria provided, single submitter. Criteria: ACMG Guidelines, 2015. Collection method: clinical testing. Allele origin: unknown.

Literature cited by the submitters: PubMed 10445857 (cited by Women's Health and Genetics/Laboratory Corporation of America, LabCorp and Labcorp Genetics (formerly Invitae), Labcorp); PubMed 10679286 (cited by Women's Health and Genetics/Laboratory Corporation of America, LabCorp); PubMed 9263528 (cited by Women's Health and Genetics/Laboratory Corporation of America, LabCorp and Ambry Genetics); PubMed 16571096 (cited by Women's Health and Genetics/Laboratory Corporation of America, LabCorp); PubMed 16928683 (cited by Women's Health and Genetics/Laboratory Corporation of America, LabCorp); PubMed 15331579 (cited by Women's Health and Genetics/Laboratory Corporation of America, LabCorp and Ambry Genetics); PubMed 20554711 (cited by Women's Health and Genetics/Laboratory Corporation of America, LabCorp); PubMed 32083997 (cited by Women's Health and Genetics/Laboratory Corporation of America, LabCorp); PubMed 31711124 (cited by Women's Health and Genetics/Laboratory Corporation of America, LabCorp); PubMed 24845513 (cited by Women's Health and Genetics/Laboratory Corporation of America, LabCorp); PubMed 16932252 (cited by Women's Health and Genetics/Laboratory Corporation of America, LabCorp); PubMed 15583857 (cited by Women's Health and Genetics/Laboratory Corporation of America, LabCorp); PubMed 36166639 (cited by Women's Health and Genetics/Laboratory Corporation of America, LabCorp); PubMed 19472011 (cited by Women's Health and Genetics/Laboratory Corporation of America, LabCorp and Ambry Genetics); PubMed 34493325 (cited by Women's Health and Genetics/Laboratory Corporation of America, LabCorp); PubMed 24560924 (cited by Ambry Genetics).

NM_020975.6(RET):c.2755G>C (p.Ala919Pro)

Gene: RET (ret proto-oncogene; plus strand). Cytogenetic location: 10q11.21.
Variant type: single nucleotide variant.
Coding change: c.2755G>C on transcript NM_020975.6 (MANE Select); coding-DNA position 2755, G replaced by C.
Protein change: p.Ala919Pro; replaces alanine 919 with proline.
Molecular consequence: missense variant.
Genome position (GRCh38, 1-based): chr10:43,121,970, G>C. VCF-style: chr10-43121970-G-C. GRCh37 (hg19) VCF-style: chr10-43617418-G-C.
Other names: c.2029G>C, p.Ala677Pro (NM_001406775.1, NM_001406776.1, NM_001406777.1 and 1 more transcripts); c.1858G>C, p.Ala620Pro (NM_001406779.1, NM_001406780.1, NM_001406781.1 and 1 more transcripts); c.1729G>C, p.Ala577Pro (NM_001406783.1, NM_001406786.1); c.1765G>C, p.Ala589Pro (NM_001406784.1); c.2755G>C, p.Ala919Pro (NM_000323.2, NM_001406743.1, NM_001406744.1 and 4 more transcripts); c.1993G>C, p.Ala665Pro (NM_001355216.2); c.2626G>C, p.Ala876Pro (NM_001406761.1, NM_001406762.1, NM_001406764.1); c.2620G>C, p.Ala874Pro (NM_001406763.1, NM_001406765.1); and 10 more; short protein forms A919P, A665P, A620P, A677P, A744P, A787P, A575P, A577P.
Identifiers: ClinVar variation 581770 (VCV000581770.16), dbSNP rs1361265737, ClinGen allele CA376557487.